The following is an entry in ClinVar:

NM_000136.3(FANCC):c.8A>C (p.Gln3Pro)

Gene: FANCC (FA complementation group C; minus strand). Cytogenetic location: 9q22.32.
Variant type: single nucleotide variant.
Coding change: c.8A>C on transcript NM_000136.3 (MANE Select); coding-DNA position 8, A replaced by C.
Protein change: p.Gln3Pro; replaces glutamine 3 with proline.
Molecular consequence: missense variant.
Genome position (GRCh38, 1-based): chr9:95,249,284, T>G on the plus strand (A>C on the coding strand, the complement: FANCC is on the minus strand). VCF-style: chr9-95249284-T-G. GRCh37 (hg19) VCF-style: chr9-98011566-T-G.
Other names: c.8A>C, p.Gln3Pro (NM_001243743.2, NM_001243744.2); short protein forms Q3P.
Identifiers: ClinVar variation 456171 (VCV000456171.14), dbSNP rs1415268424, ClinGen allele CA374340538.
Genomic context (GRCh38, chr9:95,249,284, plus strand): 5'-TCCCATACAGAAAGCTTCTGCATCCAAAACTGATAATCACAAGAAAGATCTACTGAATCT[T>G]GAGCCATCTTGGAAAAAGCGAAAAGGTGATGTCCCTTCACAGCAGCCTGTCCAGCACTGA-3'
Protein context (NP_000127.2, residues 1-13): MA[Gln3Pro]DSVDLSCDYQ

ClinVar aggregate classification (germline): Uncertain significance. Review status: criteria provided, multiple submitters, no conflicts (2 of 4 stars). 4 submissions from 4 submitters: Uncertain significance (3). 1 of the submissions does not count toward it. Last evaluated 2025-07-31.

Conditions:
Hereditary cancer-predisposing syndrome. Also called: Neoplastic Syndromes, Hereditary; Tumor predisposition; Hereditary Cancer Syndrome; Hereditary neoplastic syndrome. Identifiers: Orphanet 140162, MedGen C0027672, MeSH D009386, MONDO:0015356.
Fanconi anemia (FA). Also called: Fanconi's anemia. Identifiers: Orphanet 84, MedGen C0015625, MeSH D005199, MONDO:0019391.

Allele frequency attached by ClinVar (database versions not stated): gnomAD 0.00001.
gnomAD v4.1: 1 of 1,613,966 alleles (0.000062%); highest among the groups gnomAD compares: African/African-American, 0.0013%; no homozygotes.

Submissions (4):

Labcorp Genetics (formerly Invitae), Labcorp
Classification: Uncertain significance for Fanconi anemia. Last evaluated: 2025-07-31. Review status: criteria provided, single submitter. Criteria: Invitae Variant Classification Sherloc (09022015). Collection method: clinical testing. Allele origin: germline.
Comment: This sequence change replaces glutamine, which is neutral and polar, with proline, which is neutral and non-polar, at codon 3 of the FANCC protein (p.Gln3Pro). This variant is present in population databases (no rsID available, gnomAD 0.01%). This variant has not been reported in the literature in individuals affected with FANCC-related conditions. ClinVar contains an entry for this variant (Variation ID: 456171). An algorithm developed to predict the effect of missense changes on protein structure and function (PolyPhen-2) suggests that this variant is likely to be tolerated. In summary, the available evidence is currently insufficient to determine the role of this variant in disease. Therefore, it has been classified as a Variant of Uncertain Significance.

GeneDx
Classification: Uncertain significance. Last evaluated: 2022-12-22. Review status: criteria provided, single submitter. Criteria: GeneDx Variant Classification Process June 2021. Collection method: clinical testing. Allele origin: germline. Affected: yes.
Comment: Not observed at significant frequency in large population cohorts (gnomAD); In silico analysis supports that this missense variant has a deleterious effect on protein structure/function; Has not been previously published as pathogenic or benign to our knowledge

Ambry Genetics
Classification: Uncertain significance for Hereditary cancer-predisposing syndrome. Last evaluated: 2022-09-26. Review status: criteria provided, single submitter. Criteria: Ambry Variant Classification Scheme 2023. Collection method: clinical testing. Allele origin: germline.
Comment: The p.Q3P variant (also known as c.8A>C), located in coding exon 1 of the FANCC gene, results from an A to C substitution at nucleotide position 8. The glutamine at codon 3 is replaced by proline, an amino acid with similar properties. This amino acid position is not well conserved in available vertebrate species. In addition, this alteration is predicted to be tolerated by in silico analysis. Since supporting evidence is limited at this time, the clinical significance of this alteration remains unclear.

Natera, Inc.
Classification: Uncertain significance for Fanconi anemia. Last evaluated: 2018-12-11. Review status: no assertion criteria provided. Collection method: clinical testing. Allele origin: germline. Not counted in ClinVar's aggregate classification.